The following is an entry in ClinVar:

NM_177438.3(DICER1):c.1795A>G (p.Thr599Ala)

Gene: DICER1 (dicer 1, ribonuclease III; minus strand). Cytogenetic location: 14q32.13.
Variant type: single nucleotide variant.
Coding change: c.1795A>G on transcript NM_177438.3 (MANE Select); coding-DNA position 1795, A replaced by G.
Protein change: p.Thr599Ala; replaces threonine 599 with alanine.
Molecular consequence: missense variant.
Genome position (GRCh38, 1-based): chr14:95,115,779, T>C on the plus strand (A>G on the coding strand, the complement: DICER1 is on the minus strand). VCF-style: chr14-95115779-T-C. GRCh37 (hg19) VCF-style: chr14-95582116-T-C.
Other names: c.1795A>G, p.Thr599Ala (NM_001195573.1, NM_001271282.3, NM_001291628.2 and 1 more transcripts); short protein forms T599A.
Identifiers: ClinVar variation 543564 (VCV000543564.22), dbSNP rs766492523, ClinGen allele CA7331398.
Genomic context (GRCh38, chr14:95,115,779, plus strand): 5'-CAGGCCTCAACACATATGGTGGGAAAACGTCATCATCATCCATGACAGGATCAATGTCAG[T>C]CTCACCAGTATCAACCGACTTGGAACACTTGTTTCTCAAGATCTGAACATTTAAAAAACA-3'
Protein context (NP_803187.1, residues 589-609): KCSKSVDTGE[Thr599Ala]DIDPVMDDDD

ClinVar aggregate classification (germline): Conflicting classifications of pathogenicity. Review status: criteria provided, conflicting classifications (1 of 4 stars). 7 submissions from 7 submitters: Uncertain significance (5); Likely benign (2). Last evaluated 2025-12-20.

Conditions:
Hereditary cancer-predisposing syndrome. Also called: Neoplastic Syndromes, Hereditary; Tumor predisposition; Hereditary Cancer Syndrome; Hereditary neoplastic syndrome. Identifiers: Orphanet 140162, MedGen C0027672, MeSH D009386, MONDO:0015356.
DICER1-related disorder. Also called: DICER1-related condition.
DICER1-related tumor predisposition. Also called: DICER1-related pleuropulmonary blastoma cancer predisposition syndrome; DICER1 syndrome. Identifiers: Orphanet 284343, MedGen C3839822, MONDO:0100216.

Allele frequency attached by ClinVar (database versions not stated): gnomAD exomes 0.00001 and 0.00003; TOPMed 0.00001; ExAC 0.00002.
gnomAD v4.1: 11 of 1,614,130 alleles (0.00068%); highest among the groups gnomAD compares: Admixed American, 0.01%; no homozygotes.

Submissions (7):

Labcorp Genetics (formerly Invitae), Labcorp
Classification: Likely benign for DICER1-related tumor predisposition. Last evaluated: 2025-12-20. Review status: criteria provided, single submitter. Criteria: Invitae Variant Classification Sherloc (09022015). Collection method: clinical testing. Allele origin: germline.

Hereditary Cancer Group, L’Institut d'Investigació Biomèdica de Bellvitge
Classification: Uncertain significance for Hereditary cancer-predisposing syndrome. Last evaluated: 2024-12-19. Review status: criteria provided, single submitter. Criteria: Hatton et al. (Hum Mutat. 2023). Collection method: clinical testing. Allele origin: germline. Inheritance: Autosomal dominant inheritance. Affected: yes.
Comment: BP4

Quest Diagnostics Nichols Institute San Juan Capistrano
Classification: Uncertain significance. Last evaluated: 2024-10-29. Review status: criteria provided, single submitter. Criteria: Quest Diagnostics criteria. Collection method: clinical testing. Allele origin: unknown.
Comment: The DICER1 c.1795A>G (p.Thr599Ala) variant has been reported in the published literature in an individual with pleuropulmonary blastoma (PMID: 33718253 (2021)). The frequency of this variant in the general population, 0.0002 (7/34588 chromosomes (Genome Aggregation Database)), is uninformative in the assessment of its pathogenicity. Analysis of this variant using bioinformatics tools for the prediction of the effect of amino acid changes on protein structure and function yielded predictions that this variant is benign. Based on the available information, we are unable to determine the clinical significance of this variant.

PreventionGenetics, part of Exact Sciences
Classification: Uncertain significance for DICER1-related condition. Last evaluated: 2023-01-30. Review status: criteria provided, single submitter. Criteria: ACMG Guidelines, 2015. Collection method: clinical testing. Allele origin: germline.
Comment: The DICER1 c.1795A>G variant is predicted to result in the amino acid substitution p.Thr599Ala. This variant has been reported as a germline variant in an individual with papillary thyroid carcinoma (Canberk et al. 2021. PubMed ID: 33718253). This variant is reported in 0.020% of alleles in individuals of Latino descent in gnomAD and in ClinVar this variant has conflicting interpretations of likely benign and uncertain. At this time, the clinical significance of this variant is uncertain due to the absence of conclusive functional and genetic evidence.

GeneDx
Classification: Uncertain significance. Last evaluated: 2023-01-10. Review status: criteria provided, single submitter. Criteria: GeneDx Variant Classification Process June 2021. Collection method: clinical testing. Allele origin: germline. Affected: yes.
Comment: In silico analysis supports that this missense variant does not alter protein structure/function; Observed in an individual with thyroid cancer (Canberk et al., 2021); This variant is associated with the following publications: (PMID: 33718253)

Sema4
Classification: Uncertain significance for Hereditary cancer-predisposing syndrome. Last evaluated: 2022-03-08. Review status: criteria provided, single submitter. Criteria: Sema4 Curation Guidelines. Collection method: curation. Allele origin: germline.
Comment: The DICER1 c.1795A>G (p.T599A) variant has not been reported in the literature to our knowledge. It was observed in 7/34588 chromosomes of the Latino subpopulation in the large and broad cohorts of the Genome Aggregation Database (PMID: 32461654). The variant has been reported in ClinVar (Variation ID 543564). In silico tools suggest the impact of the variant on protein function is benign, though these predictions have not been confirmed by functional studies. The evidence is insufficient to meet ACMG/AMP criteria for classifying the variant as benign or pathogenic. Thus, the clinical significance of this variant is currently uncertain.

Ambry Genetics
Classification: Likely benign for Hereditary cancer-predisposing syndrome. Last evaluated: 2018-10-23. Review status: criteria provided, single submitter. Criteria: Ambry Variant Classification Scheme 2023. Collection method: clinical testing. Allele origin: germline.

Literature cited by the submitters: PubMed 33718253 (cited by Quest Diagnostics Nichols Institute San Juan Capistrano).